The following is an entry in ClinVar:

ClinVar aggregate classification (germline): Uncertain significance (1 of 4 stars; one submission).

Conditions:
Inborn genetic diseases. Identifiers: MedGen C0950123, MeSH D030342.

Submission:

Ambry Genetics
Classification: Uncertain significance for Inborn genetic diseases. Last evaluated: 2026-03-09. Review status: criteria provided, single submitter. Criteria: Ambry Variant Classification Scheme 2023. Collection method: clinical testing. Allele origin: germline.
Comment: The p.H53P variant (also known as c.158A>C), located in coding exon 2 of the BMPR2 gene, results from an A to C substitution at nucleotide position 158. The histidine at codon 53 is replaced by proline, an amino acid with similar properties. This amino acid position is conserved. In addition, this alteration is predicted to be tolerated by in silico analysis. Based on the available evidence, the clinical significance of this variant remains unclear.

NM_001204.7(BMPR2):c.158A>C (p.His53Pro)

Gene: BMPR2 (bone morphogenetic protein receptor type 2; plus strand). Cytogenetic location: 2q33.1.
Variant type: single nucleotide variant.
Coding change: c.158A>C on transcript NM_001204.7 (MANE Select); coding-DNA position 158, A replaced by C.
Protein change: p.His53Pro; replaces histidine 53 with proline.
Molecular consequence: missense variant.
Genome position (GRCh38, 1-based): chr2:202,464,890, A>C. VCF-style: chr2-202464890-A-C. GRCh37 (hg19) VCF-style: chr2-203329613-A-C.
Other names: short protein forms H53P.
Identifiers: ClinVar variation 4827192 (VCV004827192.1).